The following is an entry in ClinVar:

NM_015046.7(SETX):c.6035C>T (p.Ala2012Val)

Gene: SETX (senataxin; minus strand). Cytogenetic location: 9q34.13.
Variant type: single nucleotide variant.
Coding change: c.6035C>T on transcript NM_015046.7 (MANE Select); coding-DNA position 6035, C replaced by T.
Protein change: p.Ala2012Val; replaces alanine 2012 with valine.
Molecular consequence: missense variant.
Genome position (GRCh38, 1-based): chr9:132,295,943, G>A on the plus strand (C>T on the coding strand, the complement: SETX is on the minus strand). VCF-style: chr9-132295943-G-A. GRCh37 (hg19) VCF-style: chr9-135171330-G-A.
Other names: c.6035C>T, p.Ala2012Val (NM_001351527.2, NM_001351528.2); short protein forms A2012V.
Identifiers: ClinVar variation 4995842 (VCV004995842.1).

ClinVar aggregate classification (germline): Uncertain significance (1 of 4 stars; one submission).

Conditions:
SETX-related disorder. Also called: SETX-related condition; SETX-related disorders. Identifiers: MedGen CN239403.

Submission:

PreventionGenetics, part of Exact Sciences
Classification: Uncertain significance for SETX-related condition. Last evaluated: 2025-12-19. Review status: criteria provided, single submitter. Criteria: ACMG Guidelines, 2015. Collection method: clinical testing. Allele origin: germline.
Comment: The SETX c.6035C>T variant is predicted to result in the amino acid substitution p.Ala2012Val. To our knowledge, this variant has not been reported in the literature or in a large population database (gnomAD), indicating this variant is rare. At this time, the clinical significance of this variant is uncertain due to the absence of conclusive functional and genetic evidence.